The following is an entry in ClinVar:

ClinVar aggregate classification (germline): Uncertain significance (1 of 4 stars; one submission).

Conditions:
EGFR-related lung cancer (EGFR). Identifiers: MedGen CN130014.

Submission:

Labcorp Genetics (formerly Invitae), Labcorp
Classification: Uncertain significance for EGFR-related lung cancer. Last evaluated: 2024-07-02. Review status: criteria provided, single submitter. Criteria: Invitae Variant Classification Sherloc (09022015). Collection method: clinical testing. Allele origin: germline.
Comment: This sequence change replaces aspartic acid, which is acidic and polar, with glutamic acid, which is acidic and polar, at codon 247 of the EGFR protein (p.Asp247Glu). This variant is not present in population databases (gnomAD no frequency). This variant has not been reported in the literature in individuals affected with EGFR-related conditions. Advanced modeling of protein sequence and biophysical properties (such as structural, functional, and spatial information, amino acid conservation, physicochemical variation, residue mobility, and thermodynamic stability) performed at Invitae indicates that this missense variant is not expected to disrupt EGFR protein function with a negative predictive value of 80%. In summary, the available evidence is currently insufficient to determine the role of this variant in disease. Therefore, it has been classified as a Variant of Uncertain Significance.

NM_005228.5(EGFR):c.741C>A (p.Asp247Glu)

Gene: EGFR (epidermal growth factor receptor; plus strand). Cytogenetic location: 7p11.2.
Variant type: single nucleotide variant.
Coding change: c.741C>A on transcript NM_005228.5 (MANE Select); coding-DNA position 741, C replaced by A.
Protein change: p.Asp247Glu; replaces aspartic acid 247 with glutamic acid.
Molecular consequence: missense variant. On other transcripts: intron variant (1).
Genome position (GRCh38, 1-based): chr7:55,152,658, C>A. VCF-style: chr7-55152658-C-A. GRCh37 (hg19) VCF-style: chr7-55220351-C-A.
Other names: c.606C>A, p.Asp202Glu (NM_001346897.2, NM_001346899.2); c.741C>A, p.Asp247Glu (NM_001346898.2, NM_201282.2, NM_201283.2 and 1 more transcripts); c.582C>A, p.Asp194Glu (NM_001346900.2); c.89-3172C>A (NM_001346941.2); short protein forms D194E, D247E, D202E.
Identifiers: ClinVar variation 3680261 (VCV003680261.2).